The following is an entry in ClinVar:

ClinVar aggregate classification (germline): Uncertain significance. Review status: criteria provided, multiple submitters, no conflicts (2 of 4 stars). 2 submissions from 2 submitters: Uncertain significance (2). Last evaluated 2024-07-10.

Conditions:
Inborn genetic diseases. Identifiers: MedGen C0950123, MeSH D030342.

Allele frequency attached by ClinVar (database versions not stated): gnomAD 0.00001; ExAC 0.00002; TOPMed 0.00003; gnomAD exomes 0.00006.
gnomAD v4.1: 93 of 1,613,848 alleles (0.0058%); highest among the groups gnomAD compares: Admixed American, 0.015%; no homozygotes.

Submissions (2):

Ambry Genetics
Classification: Uncertain significance for Inborn genetic diseases. Last evaluated: 2024-07-10. Review status: criteria provided, single submitter. Criteria: Ambry Variant Classification Scheme 2023. Collection method: clinical testing. Allele origin: germline.

Labcorp Genetics (formerly Invitae), Labcorp
Classification: Uncertain significance. Last evaluated: 2023-08-14. Review status: criteria provided, single submitter. Criteria: Invitae Variant Classification Sherloc (09022015). Collection method: clinical testing. Allele origin: germline.
Comment: In summary, the available evidence is currently insufficient to determine the role of this variant in disease. Therefore, it has been classified as a Variant of Uncertain Significance. Advanced modeling of protein sequence and biophysical properties (such as structural, functional, and spatial information, amino acid conservation, physicochemical variation, residue mobility, and thermodynamic stability) performed at Invitae indicates that this missense variant is not expected to disrupt DLX3 protein function. This variant has not been reported in the literature in individuals affected with DLX3-related conditions. This variant is present in population databases (rs760418490, gnomAD 0.02%). This sequence change replaces leucine, which is neutral and non-polar, with valine, which is neutral and non-polar, at codon 244 of the DLX3 protein (p.Leu244Val).

NM_005220.3(DLX3):c.730C>G (p.Leu244Val)

Gene: DLX3 (distal-less homeobox 3; minus strand). Cytogenetic location: 17q21.33.
Variant type: single nucleotide variant.
Coding change: c.730C>G on transcript NM_005220.3 (MANE Select); coding-DNA position 730, C replaced by G.
Protein change: p.Leu244Val; replaces leucine 244 with valine.
Molecular consequence: missense variant.
Genome position (GRCh38, 1-based): chr17:49,991,651, G>C on the plus strand (C>G on the coding strand, the complement: DLX3 is on the minus strand). VCF-style: chr17-49991651-G-C. GRCh37 (hg19) VCF-style: chr17-48069015-G-C.
Other names: c.730C>G (NM_005220.2); short protein forms L244V.
Identifiers: ClinVar variation 2896706 (VCV002896706.4), dbSNP rs760418490, ClinGen allele CA8640952.
Genomic context (GRCh38, chr17:49,991,651, plus strand): 5'-GCTGTAAGTGGGGTCCACTCAGGTTCTGTGCGTGATACCAGGAGTTGGTGGGGTCGTCCA[G>C]GTAGCTGGGGGAGGCACTGTATGGGAGCGGCGGGGGCAGCTGACTGCGGGCAGGGGCCGG-3'
Protein context (NP_005211.1, residues 234-254): PLPYSASPSY[Leu244Val]DDPTNSWYHA